The following continues an entry in ClinVar:

NM_001267550.2(TTN):c.4724_4728del (p.Met1575fs)

ClinVar aggregate classification (germline): Pathogenic/Likely pathogenic. Pathogenic (2); Likely pathogenic (17).

Submissions 5 to 21 of 21:

Ambry Genetics
Classification: Likely pathogenic for Cardiovascular phenotype. Last evaluated: 2025-03-04. Review status: criteria provided, single submitter. Criteria: Ambry Variant Classification Scheme 2023. Collection method: clinical testing. Allele origin: germline.
Comment: The c.4586_4590delTGAAA variant, located in coding exon 25 of the TTN gene, results from a deletion of 5 nucleotides at nucleotide positions 4586 to 4590, causing a translational frameshift with a predicted alternate stop codon (p.M1529Sfs*6). This exon is located in the near Z-disk region of the N2-B isoform of the titin protein and is constitutively expressed in TTN transcripts (percent spliced in or PSI 100%). This variant (also referred to as NM_001267550:c.4724_4728delTGAAA, p.Met1575Serfs*6) has been detected in individuals from dilated cardiomyopathy (DCM), left ventricular noncompaction, and early onset atrial fibrillation cohorts, as well as in individuals not known to have cardiovascular disease; however, clinical details were limited (Roberts AM et al. Sci Transl Med, 2015 Jan;7:270ra6; Choi SH et al. JAMA, 2018 12;320:2354-2364; Jansen M et al. Circ Genom Precis Med. 2019 May;12(5):e002436; Schultze-Berndt A et al. Front Pediatr. 2021 Sep;9:722926; Bourfiss M et al. Circ Genom Precis Med. 2022 Dec;15(6):e003704; Ambry internal data). This variant has also been detected in a proband with centronuclear myopathy (Rees M et al. Acta Neuropathol. 2021 Mar;141(3):431-453). This variant is expected to result in loss of function by premature protein truncation or nonsense-mediated mRNA decay. While truncating variants in TTN are present in 1-3% of the general population, truncating variants in the A-band are the most common cause of dilated cardiomyopathy (Herman DS et al. N. Engl. J. Med., 2012 Feb;366:619-28; Roberts AM et al. Sci Transl Med, 2015 Jan;7:270ra6). TTN truncating variants encoded in constitutive exons (PSI >90%) have been found to be significantly associated with DCM regardless of their position in titin (Schafer S et al. Nat. Genet., 2017 01;49:46-53; Akhtar MM et al. Circ Heart Fail, 2020 Oct;13:e006832; Massier M et al. Clin Genet, 2025 Jan). Based on the majority of available evidence to date, this variant is likely to be pathogenic.

ARUP Laboratories, Molecular Genetics and Genomics, ARUP Laboratories
Classification: Likely pathogenic. Last evaluated: 2025-01-16. Review status: criteria provided, single submitter. Criteria: ARUP Molecular Germline Variant Investigation Process 2024. Collection method: clinical testing. Allele origin: germline.
Comment: The TTN c.4724_4728del; p.Met1575SerfsTer6 variant (rs756433029, ClinVar Variation ID: 202501), is reported in the literature in individuals affected with dilated cardiomyopathy (Akhtar 2020, Jansen 2019, Mazzarotto 2020, Roberts 2015), in two individuals affected with centronuclear myopathy who also carried an additional truncating TTN variant (Rees 2021), an individual with early onset atrial fibril-lation (Choi 2018), and an individual with left ventricular noncompaction cardiomyopathy (Schultze-Berndt 2021). Additionally, this variant has been reported in general population controls (Choi 2020) and is observed on three allele in the Genome Aggregation Database (v2.1.1). This variant is in an exon that is spliced into 100% of TTN transcripts (Roberts 2015) and causes a frameshift by deleting 4 nucle-otides, so it is predicted to result in a truncated protein or mRNA subject to nonsense-mediated decay. Based on this information this variant is considered to be likely pathogenic. References: Akhtar MM et al. Clinical Phenotypes and Prognosis of Dilated Cardiomyopathy Caused by Truncating Variants in the TTN Gene. Circ Heart Fail. 2020 Oct;13(10):e006832. PMID: 32964742. Choi SH et al. DiscovEHR study and the NHLBI Trans-Omics for Precision Medicine (TOPMed) Consorti-um. Association Between Titin Loss-of-Function Variants and Early-Onset Atrial Fibrillation. JAMA. 2018 Dec 11;320(22):2354-2364. PMID: 30535219. Choi SH et al. Monogenic and Polygenic Contributions to Atrial Fibrillation Risk: Results From a National Biobank. Circ Res. 2020 Jan 17;126(2):200-209. PMID: 31691645. Jansen M et al. Mortality Risk Associated With Truncating Founder Mutations in Titin. Circ Genom Precis Med. 2019 May;12(5):e002436. PMID: 31112426. Mazzarotto F et al. Reevaluating the Genetic Contribution of Monogenic Dilated Cardiomyopathy. Circu-lation. 2020 Feb 4;141(5):387-398. PMID: 31983221. Rees M et al. Making sense of missense variants in TTN-related congenital myopathies. Acta Neuropa-thol. 2021 Mar;141(3):431-453. PMID: 33449170. Roberts AM et al. Integrated allelic, transcriptional, and phenomic dissection of the cardiac effects of titin truncations in health and disease. Sci Transl Med. 2015 Jan 14;7(270):270ra6. PMID: 25589632. Schultze-Berndt A et al. Reduced Systolic Function and Not Genetic Variants Determine Outcome in Pe-diatric and Adult Left Ventricular Noncompaction Cardiomyopathy. Front Pediatr. 2021 Sep 3;9:722926. PMID: 34540771.

GeneDx
Classification: Likely pathogenic. Last evaluated: 2025-01-07. Review status: criteria provided, single submitter. Criteria: GeneDx Variant Classification Process June 2021. Collection method: clinical testing. Allele origin: germline. Affected: yes.
Comment: Reported in association with DCM, LVNC and early-onset atrial fibrillation in patients tested at GeneDx and in published literature (PMID: 25589632, 30535219, 31112426, 31983221, 34540771, 36264615); Frameshift variant predicted to result in protein truncation or nonsense mediated decay in a region of a gene for which loss of function is not a well-established mechanism of disease; Not observed at significant frequency in large population cohorts (gnomAD); This variant is associated with the following publications: (PMID: 30535219, 31983221, 34540771, 31112426, 36264615, 35177841, 33449170, 25589632, 37652022, 31691645)

CeGaT Center for Human Genetics Tuebingen
Classification: Likely pathogenic. Last evaluated: 2023-12-01. Review status: criteria provided, single submitter. Criteria: CeGaT Center For Human Genetics Tuebingen Variant Classification Criteria Version 2. Collection method: clinical testing. Allele origin: germline. Affected: yes. Observed: 1 variant allele.
Comment: TTN: PVS1:Strong, PM2, PS4:Moderate

Baylor Genetics
Classification: Likely pathogenic for Hypertrophic cardiomyopathy 9. Last evaluated: 2023-05-25. Review status: criteria provided, single submitter. Criteria: ACMG Guidelines, 2015. Collection method: clinical testing. Allele origin: unknown.

Baylor Genetics
Classification: Likely pathogenic for Autosomal recessive limb-girdle muscular dystrophy type 2J. Last evaluated: 2023-05-25. Review status: criteria provided, single submitter. Criteria: ACMG Guidelines, 2015. Collection method: clinical testing. Allele origin: unknown.

Baylor Genetics
Classification: Likely pathogenic for Tibial muscular dystrophy. Last evaluated: 2023-05-25. Review status: criteria provided, single submitter. Criteria: ACMG Guidelines, 2015. Collection method: clinical testing. Allele origin: unknown.

Baylor Genetics
Classification: Likely pathogenic for Myopathy, myofibrillar, 9, with early respiratory failure. Last evaluated: 2023-05-25. Review status: criteria provided, single submitter. Criteria: ACMG Guidelines, 2015. Collection method: clinical testing. Allele origin: unknown.

Baylor Genetics
Classification: Likely pathogenic for Dilated cardiomyopathy 1G. Last evaluated: 2023-05-25. Review status: criteria provided, single submitter. Criteria: ACMG Guidelines, 2015. Collection method: clinical testing. Allele origin: unknown.

Baylor Genetics
Classification: Likely pathogenic for Early-onset myopathy with fatal cardiomyopathy. Last evaluated: 2023-05-25. Review status: criteria provided, single submitter. Criteria: ACMG Guidelines, 2015. Collection method: clinical testing. Allele origin: unknown.

AiLife Diagnostics
Classification: Likely pathogenic. Last evaluated: 2021-12-30. Review status: criteria provided, single submitter. Criteria: ACMG Guidelines, 2015. Collection method: clinical testing. Allele origin: germline. Affected: yes. Observed: 1 variant allele.

CHEO Genetics Diagnostic Laboratory, Children's Hospital of Eastern Ontario
Classification: Likely pathogenic for Cardiomyopathy. Last evaluated: 2020-05-08. Review status: criteria provided, single submitter. Criteria: ACMG Guidelines, 2015. Collection method: clinical testing. Allele origin: germline.

Laboratory for Molecular Medicine, Mass General Brigham Personalized Medicine
Classification: Likely pathogenic for Primary dilated cardiomyopathy. Last evaluated: 2019-02-22. Review status: criteria provided, single submitter. Criteria: ACMG Guidelines, 2015. Collection method: clinical testing. Allele origin: germline.
Comment: The p.Met1575SerfsX6 variant in TTN has been reported in 1 individual with DCM (Roberts 2015) and has been identified in 3/128802 of European chromosomes by gnomAD. It has also been reported in ClinVar (Variation ID #202501). This variant is predicted to cause a frameshift, which alters the protein’s amino acid sequence beginning at position 1575 and leads to a premature termination codon 6 amino acids downstream. This alteration is then predicted to lead to a truncated or absent protein. Nonsense and other truncating variants in TTN are strongly associated with DCM if they impact the exons encoding for the A-band (Herman 2012, Pugh 2014) and/or are located in an exon that is highly expressed in the heart (Roberts 2015). In addition, TTN variants have also been associated with myopathies and other neuromuscular conditions, which usually have autosomal recessive inheritance (Savarese 2016). The p.Met1575SerfsX6 variant is located in a highly expressed exon in the near Z-disk region. In summary, although additional studies are required to fully establish its clinical significance, this variant meets criteria to be classified as likely pathogenic for TTN-associated diseases. ACMG/AMP Criteria applied: PVS1, PM2.

Cardiovascular Biomedical Research Unit, Royal Brompton & Harefield NHS Foundation Trust
Classification: Likely pathogenic for Primary dilated cardiomyopathy. Last evaluated: 2014-10-08. Review status: criteria provided, single submitter. Criteria: Roberts et al. 2015. Collection method: research. Allele origin: germline. Inheritance: Autosomal dominant inheritance. Affected: yes. Observed: 1 variant allele. Study: Unselected DCM.
Comment: In the seven cohorts assessed, TTNtv were found in 14% of ambulant DCM, 22% end-stage or familial DCM, and 2% controls. Heterozygous nonsense, frameshift and canonical splice-disrupting variants found in constitutive and other highly utilised exons are highly likely to be pathogenic when identified in individuals with phenotypically confirmed DCM. TTNtv found incidentally in healthy individuals (excluding familial assessment of DCM relatives) are thought to have low penetrance, particularly when identified in exons that are not constitutively expressed in the heart.

Klaassen Lab, Charite University Medicine Berlin
Classification: Likely pathogenic for Left ventricular noncompaction cardiomyopathy. Review status: criteria provided, single submitter. Criteria: ACMG Guidelines, 2015. Collection method: research. Allele origin: germline. Affected: yes.

PreventionGenetics, part of Exact Sciences
Classification: Likely pathogenic for TTN-related condition. Last evaluated: 2024-09-23. Review status: no assertion criteria provided. Collection method: clinical testing. Allele origin: germline. Not counted in ClinVar's aggregate classification.
Comment: The TTN c.4724_4728del5 variant is predicted to result in a frameshift and premature protein termination (p.Met1575Serfs*6). This variant has been reported in a cohort study of individuals with dilated cardiomyopathy (Table S1, Roberts et al. 2015. PubMed ID: 25589632), as well as in one individual with early onset atrial fibrillation (eTable 5, Choi et al. 2018. PubMed ID: 30535219). This variant is located near the Z-disk and I-band junction. Other nearby loss-of-function variants have been reported in cases of autosomal recessive TTN-related myopathies (c.3880_3884delGATTC in Yu et al. 2019. PubMed ID: 31353864; c.4579delG in Töpf et al. 2020. PubMed ID: 32528171; c.4819G>T at PreventionGenetics). RNAseq studies from heart tissue indicate this exon is commonly included in TTN mRNA transcripts (PSI of 100%, Roberts et al. 2015. PubMed ID: 25589632). TTN truncating variants are reported in 1-2% of presumably healthy individuals but occur more frequently in exons with low PSI values (Roberts et al. 2015. PubMed ID: 25589632; Herman et al. 2012. PubMed ID: 22335739). However, many cases of recessive TTN-related myopathies in which the individual is compound heterozygous for two loss of function variants in TTN have also been reported (See Ceyhan-Birsoy et al. 2013. PMID: 23975875; Chauveau et al. 2014. PubMed ID: 24105469; Evilä et al. 2016. PubMed ID: 27796757; Ge et al. 2019. PubMed ID: 31053406). This variant is reported in 0.0023% of alleles in individuals of European (Non-Finnish) descent in gnomAD. In summary, the c.4724_4728del variant is likely pathogenic for both autosomal recessive and dominant TTN-related disorders.

Eurofins Ntd Llc (ga)
Classification: Uncertain significance. Last evaluated: 2018-06-13. Review status: flagged submission. Criteria: EGL ClinVar v180209 classification definitions. Collection method: clinical testing. Allele origin: germline. Observed: 1 variant allele, 1 heterozygote. Not counted in ClinVar's aggregate classification.
ClinVar note: Reason: Outlier claim with insufficient supporting evidence

Literature cited by the submitters: PubMed 25589632 (cited by 6 submitters); PubMed 30535219 (cited by 4 submitters); PubMed 31112426 (cited by 3 submitters); PubMed 31983221 (cited by 3 submitters); PubMed 33449170 (cited by 5 submitters); PubMed 27869827 (cited by Labcorp Genetics (formerly Invitae), Labcorp and Variantyx, Inc.); PubMed 32964742 (cited by Labcorp Genetics (formerly Invitae), Labcorp); PubMed 33226272 (cited by Variantyx, Inc.); PubMed 36977548 (cited by Women's Health and Genetics/Laboratory Corporation of America, LabCorp); PubMed 34540771 (cited by Ambry Genetics and Klaassen Lab, Charite University Medicine Berlin); PubMed 35177841 (cited by Ambry Genetics); PubMed 36264615 (cited by Ambry Genetics).